The following is an entry in ClinVar:

ClinVar aggregate classification (germline): Benign. Review status: criteria provided, multiple submitters, no conflicts (2 of 4 stars). 3 submissions from 3 submitters: Benign (3). Last evaluated 2021-06-10.

Conditions:
Miyoshi muscular dystrophy 1 (MMD1). Identifiers: Orphanet 45448, MedGen C4551973, MONDO:0024545, OMIM 254130.

Allele frequency attached by ClinVar (database versions not stated): 1000 Genomes Project 0.10104; 1000 Genomes Project 30x 0.10509; TOPMed 0.14276; gnomAD 0.14410 and 0.14839.
gnomAD v4.1: 219,650 of 1,556,206 alleles (14%); highest among the groups gnomAD compares: Middle Eastern, 16%; 16,355 homozygotes.

Submissions (3):

Genome-Nilou Lab
Classification: Benign for Miyoshi muscular dystrophy 1. Last evaluated: 2021-06-10. Review status: criteria provided, single submitter. Criteria: ACMG Guidelines, 2015. Collection method: clinical testing. Allele origin: germline. Affected: no.

GeneDx
Classification: Benign. Last evaluated: 2018-06-14. Review status: criteria provided, single submitter. Criteria: GeneDx Variant Classification (06012015). Collection method: clinical testing. Allele origin: germline. Affected: yes.
Comment: This variant is considered likely benign or benign based on one or more of the following criteria: it is a conservative change, it occurs at a poorly conserved position in the protein, it is predicted to be benign by multiple in silico algorithms, and/or has population frequency not consistent with disease.

Breakthrough Genomics
Classification: Benign. Review status: criteria provided, single submitter. Criteria: ACMG Guidelines, 2015. Collection method: not provided. Allele origin: germline. Inheritance: Autosomal recessive inheritance. Affected: yes.

NM_001130987.2(DYSF):c.2864+84G>C

Gene: DYSF (dysferlin; plus strand). Cytogenetic location: 2p13.2.
Variant type: single nucleotide variant.
Coding change: c.2864+84G>C on transcript NM_001130987.2 (MANE Select); 84 bases into the intron after coding-DNA position 2864, G replaced by C.
Molecular consequence: intron variant.
Genome position (GRCh38, 1-based): chr2:71,568,422, G>C. VCF-style: chr2-71568422-G-C. GRCh37 (hg19) VCF-style: chr2-71795552-G-C.
Other names: c.2903+84G>C (NM_001130979.2); c.2861+84G>C (NM_001130981.2, NM_001130980.2); c.2810+84G>C (NM_001130978.2, NM_003494.4); c.2768+84G>C (NM_001130977.2, NM_001130976.2); c.2906+84G>C (NM_001130982.2); c.2864+84G>C (NM_001130985.2); c.2813+84G>C (NM_001130983.2, NM_001130455.2); c.2771+84G>C (NM_001130984.2, NM_001130986.2).
Identifiers: ClinVar variation 679426 (VCV000679426.5), dbSNP rs62143855, ClinGen allele CA11154923.
Genomic context (GRCh38, chr2:71,568,422, plus strand): 5'-GGGGAGAGCCAGGCCAGGCTGCCCACCATGGACTGCACCCTCCTTTTGGAGGCAGGCTGG[G>C]GTCTGTTGATCCCTCTGCTTGCTCCTGCGCTGGTCATAGGAACTTCCGCTGAACTCTCCC-3'